The following is an entry in ClinVar:

ClinVar aggregate classification (germline): Uncertain significance (1 of 4 stars; one submission).

Conditions:
Muscle AMP deaminase deficiency (MMDD). Also called: AMPD1 DEFICIENCY; Myoadenylate deaminase deficiency, myopathy due to; Adenosine monophosphate deaminase 1 deficiency; AMP deaminase 1 deficiency; Adenosine Monophosphate Deaminase 1; ADENOSINE MONOPHOSPHATE DEAMINASE-1 DEFICIENCY, MYOPATHY DUE TO. Identifiers: Orphanet 45, MedGen C3714933, MONDO:0014220, OMIM 615511.

Allele frequency attached by ClinVar (database versions not stated): gnomAD exomes below 0.00001.
gnomAD v4.1: 1 of 1,614,180 alleles (0.000062%); highest among the groups gnomAD compares: Non-Finnish European, 0.000085%; no homozygotes.

Submission:

Labcorp Genetics (formerly Invitae), Labcorp
Classification: Uncertain significance for Muscle AMP deaminase deficiency. Last evaluated: 2022-04-13. Review status: criteria provided, single submitter. Criteria: Invitae Variant Classification Sherloc (09022015). Collection method: clinical testing. Allele origin: germline.
Comment: Algorithms developed to predict the effect of missense changes on protein structure and function (SIFT, PolyPhen-2, Align-GVGD) all suggest that this variant is likely to be tolerated. In summary, the available evidence is currently insufficient to determine the role of this variant in disease. Therefore, it has been classified as a Variant of Uncertain Significance. This variant has not been reported in the literature in individuals affected with AMPD1-related conditions. This variant is not present in population databases (gnomAD no frequency). This sequence change replaces valine, which is neutral and non-polar, with leucine, which is neutral and non-polar, at codon 257 of the AMPD1 protein (p.Val257Leu).

NM_000036.3(AMPD1):c.670G>C (p.Val224Leu)

Gene: AMPD1 (adenosine monophosphate deaminase 1; minus strand). Cytogenetic location: 1p13.2.
Variant type: single nucleotide variant.
Coding change: c.670G>C on transcript NM_000036.3 (MANE Select); coding-DNA position 670, G replaced by C.
Protein change: p.Val224Leu; replaces valine 224 with leucine.
Molecular consequence: missense variant.
Genome position (GRCh38, 1-based): chr1:114,680,356, C>G on the plus strand (G>C on the coding strand, the complement: AMPD1 is on the minus strand). VCF-style: chr1-114680356-C-G. GRCh37 (hg19) VCF-style: chr1-115222977-C-G.
Other names: c.658G>C, p.Val220Leu (NM_001172626.2); short protein forms V220L, V224L.
Identifiers: ClinVar variation 2125984 (VCV002125984.4), dbSNP rs1181236832, ClinGen allele CA341750481.